The following is an entry in ClinVar:

ClinVar aggregate classification (germline): Benign/Likely benign. Review status: criteria provided, multiple submitters, no conflicts (2 of 4 stars). 5 submissions from 5 submitters: Benign (1); Likely benign (4). Last evaluated 2026-07-01.

Conditions:
Cardiovascular phenotype. Identifiers: MedGen CN230736.
Myofibrillar myopathy 5. Also called: Filaminopathy (type); FILAMINOPATHY, AUTOSOMAL DOMINANT. Identifiers: Orphanet 171445, MedGen C1836050, MONDO:0012289, OMIM 609524.
Hypertrophic cardiomyopathy 26. Also called: Cardiomyopathy, familial hypertrophic, 26. Identifiers: Orphanet 75249, MedGen C4310749, MONDO:0014883, OMIM 617047.
Distal myopathy with posterior leg and anterior hand involvement. Also called: WILLIAMS DISTAL MYOPATHY. Identifiers: Orphanet 63273, MedGen C3279722, MONDO:0013550, OMIM 614065.

Allele frequency attached by ClinVar (database versions not stated): gnomAD 0.00005 and 0.00004; 1000 Genomes Project 30x 0.00031; TOPMed 0.00002; ExAC 0.00003; gnomAD exomes 0.00004.
gnomAD v4.1: 72 of 1,613,244 alleles (0.0045%); highest among the groups gnomAD compares: Middle Eastern, 0.052%; no homozygotes.

Submissions (5):

CeGaT Center for Human Genetics Tuebingen
Classification: Likely benign. Last evaluated: 2026-07-01. Review status: criteria provided, single submitter. Criteria: CeGaT Center For Human Genetics Tuebingen Variant Classification Criteria Version 2. Collection method: clinical testing. Allele origin: germline. Affected: yes. Observed: 3 variant alleles.
Comment: FLNC: BP4

Labcorp Genetics (formerly Invitae), Labcorp
Classification: Likely benign for Distal myopathy with posterior leg and anterior hand involvement; Myofibrillar myopathy 5; Hypertrophic cardiomyopathy 26. Last evaluated: 2026-01-19. Review status: criteria provided, single submitter. Criteria: Invitae Variant Classification Sherloc (09022015). Collection method: clinical testing. Allele origin: germline.

Women's Health and Genetics/Laboratory Corporation of America, LabCorp
Classification: Benign. Last evaluated: 2026-01-10. Review status: criteria provided, single submitter. Criteria: LabCorp Variant Classification Summary - May 2015. Collection method: clinical testing. Allele origin: germline.

GeneDx
Classification: Likely benign. Last evaluated: 2019-11-01. Review status: criteria provided, single submitter. Criteria: GeneDx Variant Classification Process June 2021. Collection method: clinical testing. Allele origin: germline. Affected: yes.

Ambry Genetics
Classification: Likely benign for Cardiovascular phenotype. Last evaluated: 2019-05-02. Review status: criteria provided, single submitter. Criteria: Ambry Variant Classification Scheme 2023. Collection method: clinical testing. Allele origin: germline.

NM_001458.5(FLNC):c.7755C>T (p.Gly2585=)

Genes: FLNC-AS1 (FLNC antisense RNA 1; minus strand), FLNC (filamin C; plus strand). Cytogenetic location: 7q32.1.
Variant type: single nucleotide variant.
Coding change: c.7755C>T on transcript NM_001458.5 (MANE Select); coding-DNA position 7755, C replaced by T.
Protein change: p.Gly2585=; no amino-acid change (glycine 2585 retained).
Molecular consequence: synonymous variant.
Genome position (GRCh38, 1-based): chr7:128,857,311, C>T. VCF-style: chr7-128857311-C-T. GRCh37 (hg19) VCF-style: chr7-128497365-C-T.
Other names: c.7656C>T, p.Gly2552= (NM_001127487.2).
Identifiers: ClinVar variation 767058 (VCV000767058.41), dbSNP rs746404471, ClinGen allele CA4476345.